The following is an entry in ClinVar:

ClinVar aggregate classification (germline): Conflicting classifications of pathogenicity. Review status: criteria provided, conflicting classifications (1 of 4 stars). 6 submissions from 6 submitters: Uncertain significance (2); Benign (1); Likely benign (2). 1 of the submissions does not count toward it. Last evaluated 2026-01-11.

Conditions:
RPGRIP1L-related disorder. Also called: RPGRIP1L-related disorders; RPGRIP1L-related condition. Identifiers: MedGen CN239416.
Meckel-Gruber syndrome. Also called: Dysencephalia splachnocystica; DYSENCEPHALIA SPLANCHNOCYSTICA; GRUBER SYNDROME. Identifiers: Orphanet 564, MedGen C0265215, MONDO:0018921.
Joubert syndrome. Also called: Familial aplasia of the vermis; JOUBERT-BOLTSHAUSER SYNDROME. Identifiers: Orphanet 475, MedGen C5979921, MONDO:0018772.
Joubert syndrome 7 (JBTS7). Identifiers: Orphanet 220497, MedGen C1969053, MONDO:0012694, OMIM 611560.
COACH syndrome 1. Identifiers: Orphanet 1454, MedGen C5435651, MONDO:0800103, OMIM 216360, MONDO:0008996.
Meckel syndrome, type 5 (MKS5). Identifiers: Orphanet 564, MedGen C1969052, MONDO:0012695, OMIM 611561.

Allele frequency attached by ClinVar (database versions not stated): gnomAD exomes 0.00008 and 0.00024; ExAC 0.00029; gnomAD 0.00088 and 0.00092; TOPMed 0.00088; ESP Exome Variant Server 0.00115; 1000 Genomes Project 0.00140; 1000 Genomes Project 30x 0.00172.
gnomAD v4.1: 252 of 1,613,886 alleles (0.016%); highest among the groups gnomAD compares: African/African-American, 0.29%; 1 homozygote.

Submissions (6):

Labcorp Genetics (formerly Invitae), Labcorp
Classification: Likely benign for Joubert syndrome; Meckel-Gruber syndrome. Last evaluated: 2026-01-11. Review status: criteria provided, single submitter. Criteria: Invitae Variant Classification Sherloc (09022015). Collection method: clinical testing. Allele origin: germline.

Blueprint Genetics
Classification: Benign. Last evaluated: 2024-10-21. Review status: criteria provided, single submitter. Criteria: ACMG Guidelines, 2015. Collection method: clinical testing. Allele origin: germline.

Mayo Clinic Laboratories, Mayo Clinic
Classification: Uncertain significance. Last evaluated: 2024-02-16. Review status: criteria provided, single submitter. Criteria: ACMG Guidelines, 2015. Collection method: clinical testing. Allele origin: germline. Observed: 1 variant allele.
Comment: BS1

GeneDx
Classification: Likely benign. Last evaluated: 2021-02-20. Review status: criteria provided, single submitter. Criteria: GeneDx Variant Classification Process June 2021. Collection method: clinical testing. Allele origin: germline. Affected: yes.

Fulgent Genetics
Classification: Uncertain significance for COACH syndrome 1; Joubert syndrome 7; Meckel syndrome, type 5. Last evaluated: 2018-10-31. Review status: criteria provided, single submitter. Criteria: ACMG Guidelines, 2015. Collection method: clinical testing. Allele origin: unknown.

PreventionGenetics, part of Exact Sciences
Classification: Likely benign for RPGRIP1L-related condition. Last evaluated: 2022-05-11. Review status: no assertion criteria provided. Collection method: clinical testing. Allele origin: germline. Not counted in ClinVar's aggregate classification.
Comment: This variant is classified as likely benign based on ACMG/AMP sequence variant interpretation guidelines (Richards et al. 2015 PMID: 25741868, with internal and published modifications).

NM_015272.5(RPGRIP1L):c.1660C>A (p.Leu554Ile)

Gene: RPGRIP1L (RPGRIP1 like; minus strand). Cytogenetic location: 16q12.2.
Variant type: single nucleotide variant.
Coding change: c.1660C>A on transcript NM_015272.5 (MANE Select); coding-DNA position 1660, C replaced by A.
Protein change: p.Leu554Ile; replaces leucine 554 with isoleucine.
Molecular consequence: missense variant.
Genome position (GRCh38, 1-based): chr16:53,656,511, G>T on the plus strand (C>A on the coding strand, the complement: RPGRIP1L is on the minus strand). VCF-style: chr16-53656511-G-T. GRCh37 (hg19) VCF-style: chr16-53690423-G-T.
Other names: p.Leu554Ile; c.1660C>A, p.Leu554Ile (NM_001127897.4, NM_001308334.3, NM_001330538.2); c.1660C>A (NM_015272.4); short protein forms L554I.
Identifiers: ClinVar variation 423510 (VCV000423510.19), dbSNP rs79524027, ClinGen allele CA8057740.